The following is an entry in ClinVar:

NM_001184.4(ATR):c.6352G>T (p.Asp2118Tyr)

Gene: ATR (ATR checkpoint kinase; minus strand). Cytogenetic location: 3q23.
Variant type: single nucleotide variant.
Coding change: c.6352G>T on transcript NM_001184.4 (MANE Select); coding-DNA position 6352, G replaced by T.
Protein change: p.Asp2118Tyr; replaces aspartic acid 2118 with tyrosine.
Molecular consequence: missense variant.
Genome position (GRCh38, 1-based): chr3:142,469,537, C>A on the plus strand (G>T on the coding strand, the complement: ATR is on the minus strand). VCF-style: chr3-142469537-C-A. GRCh37 (hg19) VCF-style: chr3-142188379-C-A.
Other names: c.6160G>T, p.Asp2054Tyr (NM_001354579.2); short protein forms D2118Y, D2054Y.
Identifiers: ClinVar variation 2012747 (VCV002012747.4), dbSNP rs2108279591, ClinGen allele CA354805294.

ClinVar aggregate classification (germline): Uncertain significance (1 of 4 stars; one submission).

Submission:

Labcorp Genetics (formerly Invitae), Labcorp
Classification: Uncertain significance. Last evaluated: 2022-07-01. Review status: criteria provided, single submitter. Criteria: Invitae Variant Classification Sherloc (09022015). Collection method: clinical testing. Allele origin: germline.
Comment: In summary, the available evidence is currently insufficient to determine the role of this variant in disease. Therefore, it has been classified as a Variant of Uncertain Significance. Algorithms developed to predict the effect of missense changes on protein structure and function are either unavailable or do not agree on the potential impact of this missense change (SIFT: "Deleterious"; PolyPhen-2: "Possibly Damaging"; Align-GVGD: "Class C0"). This variant has not been reported in the literature in individuals affected with ATR-related conditions. This variant is not present in population databases (gnomAD no frequency). This sequence change replaces aspartic acid, which is acidic and polar, with tyrosine, which is neutral and polar, at codon 2118 of the ATR protein (p.Asp2118Tyr).